The following is an entry in ClinVar:

NM_001368882.1(COL13A1):c.431G>A (p.Arg144His)

Gene: COL13A1 (collagen type XIII alpha 1 chain; plus strand). Cytogenetic location: 10q22.1.
Variant type: single nucleotide variant.
Coding change: c.431G>A on transcript NM_001368882.1 (MANE Select); coding-DNA position 431, G replaced by A.
Protein change: p.Arg144His; replaces arginine 144 with histidine.
Molecular consequence: missense variant. On other transcripts: intron variant (9).
Genome position (GRCh38, 1-based): chr10:69,875,159, G>A. VCF-style: chr10-69875159-G-A. GRCh37 (hg19) VCF-style: chr10-71634915-G-A.
Other names: c.431G>A, p.Arg144His (NM_001130103.2, NM_001320951.2, NM_001368884.1 and 3 more transcripts); c.-254-2880G>A (NM_001368886.1); c.400-2880G>A (NM_001368883.1, NM_001368885.1); c.399+2949G>A (NM_080805.4, NM_001368897.1); c.373-5344G>A (NM_001368895.1); c.372+7354G>A (NM_001368898.1, NM_080798.4, NM_001368896.1); short protein forms R144H.
Identifiers: ClinVar variation 740257 (VCV000740257.11), dbSNP rs183404680, ClinGen allele CA5534138.

ClinVar aggregate classification (germline): Likely benign. Review status: criteria provided, single submitter (1 of 4 stars). 2 submissions from 2 submitters: Likely benign (1). 1 of the submissions does not count toward it. Last evaluated 2025-12-30.

Conditions:
COL13A1-related disorder. Also called: COL13A1-related condition.

Allele frequency attached by ClinVar (database versions not stated): gnomAD exomes 0.00033; ExAC 0.00036; 1000 Genomes Project 0.00100; gnomAD 0.00127 and 0.00140; ESP Exome Variant Server 0.00132; TOPMed 0.00140; 1000 Genomes Project 30x 0.00187.
gnomAD v4.1: 440 of 1,613,982 alleles (0.027%); highest among the groups gnomAD compares: African/African-American, 0.48%; 2 homozygotes.

Submissions (2):

Labcorp Genetics (formerly Invitae), Labcorp
Classification: Likely benign. Last evaluated: 2025-12-30. Review status: criteria provided, single submitter. Criteria: Invitae Variant Classification Sherloc (09022015). Collection method: clinical testing. Allele origin: germline.

PreventionGenetics, part of Exact Sciences
Classification: Likely benign for COL13A1-related condition. Last evaluated: 2022-02-03. Review status: no assertion criteria provided. Collection method: clinical testing. Allele origin: germline. Not counted in ClinVar's aggregate classification.
Comment: This variant is classified as likely benign based on ACMG/AMP sequence variant interpretation guidelines (Richards et al. 2015 PMID: 25741868, with internal and published modifications).